The following is an entry in ClinVar:

ClinVar aggregate classification (germline): Uncertain significance. Review status: criteria provided, multiple submitters, no conflicts (2 of 4 stars). 3 submissions from 3 submitters: Uncertain significance (3). Last evaluated 2025-11-24.

Conditions:
RYR1-related disorder. Also called: RYR1-related disorders; RYR1-related condition. Identifiers: MedGen CN239331.
Malignant hyperthermia, susceptibility to, 1 (MHS1). Also called: Anesthesia related hyperthermia; Malignant hyperpyrexia; Fulminating hyperpyrexia; Pharmacogenic myopathy; RYR1-Related Malignant Hyperthermia Susceptibility; Malignant hyperthermia suceptibility 1. Identifiers: Orphanet 423, MedGen C2930980, MONDO:0007783, OMIM 145600.

Allele frequency attached by ClinVar (database versions not stated): TOPMed below 0.00001; gnomAD exomes 0.00001.
gnomAD v4.1: 9 of 1,613,128 alleles (0.00056%); highest among the groups gnomAD compares: Non-Finnish European, 0.00068%; no homozygotes.

Submissions (3):

Color Diagnostics, LLC DBA Color Health
Classification: Uncertain significance for Malignant hyperthermia, susceptibility to, 1. Last evaluated: 2025-11-24. Review status: criteria provided, single submitter. Criteria: ACMG Guidelines, 2015. Collection method: clinical testing. Allele origin: germline.
Comment: This missense variant replaces glutamic acid with lysine at codon 3691 of the RYR1 protein. Computational prediction suggests that this variant may not impact protein structure and function. To our knowledge, functional studies have not been reported for this variant. This variant has not been reported in individuals affected with RYR1-related disorders in the literature. This variant has been identified in 9/1613128 chromosomes in the general population by the Genome Aggregation Database (gnomAD). The available evidence is insufficient to determine the role of this variant in disease conclusively. Therefore, this variant is classified as a Variant of Uncertain Significance.

Labcorp Genetics (formerly Invitae), Labcorp
Classification: Uncertain significance for RYR1-related disorder. Last evaluated: 2024-07-16. Review status: criteria provided, single submitter. Criteria: Invitae Variant Classification Sherloc (09022015). Collection method: clinical testing. Allele origin: germline.
Comment: This sequence change replaces glutamic acid, which is acidic and polar, with lysine, which is basic and polar, at codon 3691 of the RYR1 protein (p.Glu3691Lys). This variant is not present in population databases (gnomAD no frequency). This variant has not been reported in the literature in individuals affected with RYR1-related conditions. Advanced modeling of protein sequence and biophysical properties (such as structural, functional, and spatial information, amino acid conservation, physicochemical variation, residue mobility, and thermodynamic stability) performed at Invitae indicates that this missense variant is not expected to disrupt RYR1 protein function with a negative predictive value of 95%. In summary, the available evidence is currently insufficient to determine the role of this variant in disease. Therefore, it has been classified as a Variant of Uncertain Significance.

All of Us Research Program, National Institutes of Health
Classification: Uncertain significance for Malignant hyperthermia, susceptibility to, 1. Last evaluated: 2023-11-30. Review status: criteria provided, single submitter. Criteria: ACMG Guidelines, 2015. Collection method: clinical testing. Allele origin: germline. Inheritance: Autosomal dominant inheritance. Observed: 1 variant allele, 1 heterozygote.
Comment: This study involves interpretation of variants in research participants for the purpose of population health screening. Participant phenotype was not available at the time of variant classification. Additional details can be found in publication PMID: 35346344, PMCID: PMC8962531

NM_000540.3(RYR1):c.11071G>A (p.Glu3691Lys)

Gene: RYR1 (ryanodine receptor 1; plus strand). Cytogenetic location: 19q13.2.
Variant type: single nucleotide variant.
Coding change: c.11071G>A on transcript NM_000540.3 (MANE Select); coding-DNA position 11071, G replaced by A.
Protein change: p.Glu3691Lys; replaces glutamic acid 3691 with lysine.
Molecular consequence: missense variant.
Genome position (GRCh38, 1-based): chr19:38,528,987, G>A. VCF-style: chr19-38528987-G-A. GRCh37 (hg19) VCF-style: chr19-39019627-G-A.
Other names: c.11056G>A, p.Glu3686Lys (NM_001042723.2); short protein forms E3691K, E3686K.
Identifiers: ClinVar variation 2889949 (VCV002889949.4), dbSNP rs1459249278, ClinGen allele CA405650106.